The following is an entry in ClinVar:

NM_001122659.3(EDNRB):c.143C>T (p.Pro48Leu)

Gene: EDNRB (endothelin receptor type B; minus strand). Cytogenetic location: 13q22.3.
Variant type: single nucleotide variant.
Coding change: c.143C>T on transcript NM_001122659.3 (MANE Select); coding-DNA position 143, C replaced by T.
Protein change: p.Pro48Leu; replaces proline 48 with leucine.
Molecular consequence: missense variant.
Genome position (GRCh38, 1-based): chr13:77,918,431, G>A on the plus strand (C>T on the coding strand, the complement: EDNRB is on the minus strand). VCF-style: chr13-77918431-G-A. GRCh37 (hg19) VCF-style: chr13-78492566-G-A.
Other names: c.143C>T, p.Pro48Leu (NM_000115.5, NM_003991.4); c.413C>T, p.Pro138Leu (NM_001201397.2); short protein forms P138L, P48L.
Identifiers: ClinVar variation 3369664 (VCV003369664.1).
Genomic context (GRCh38, chr13:77,918,431, plus strand): 5'-GGTGCCAACGACCGCGCCAGACTGGCGTTGGAACCCTTGGGCCATAAGGTCTTAGTGGGT[G>A]GCGTCATTATCTCTGCGGTTTGCAAAAGCGGAGTGGCCCTGTCAGGCGGGAAGCCTCTCT-3'
Protein context (NP_001116131.1, residues 38-58): PLLQTAEIMT[Pro48Leu]PTKTLWPKGS

ClinVar aggregate classification (germline): Uncertain significance (1 of 4 stars; one submission).

gnomAD v4.1: 8 of 1,573,896 alleles (0.00051%); highest among the groups gnomAD compares: South Asian, 0.0024%; no homozygotes.

Submission:

GeneDx
Classification: Uncertain significance. Last evaluated: 2024-02-26. Review status: criteria provided, single submitter. Criteria: GeneDx Variant Classification Process June 2021. Collection method: clinical testing. Allele origin: germline. Affected: yes.
Comment: Reported in one patient with Hirschsprung disease in published literature (PMID: 26395553); also reported in one control patient; Not observed at significant frequency in large population cohorts (gnomAD); In silico analysis supports that this missense variant does not alter protein structure/function; This variant is associated with the following publications: (PMID: 26395553)